The following is an entry in ClinVar:

ClinVar aggregate classification (germline): Uncertain significance. Review status: criteria provided, multiple submitters, no conflicts (2 of 4 stars). 4 submissions from 4 submitters: Uncertain significance (4). Last evaluated 2025-08-11.

Conditions:
Autoimmune lymphoproliferative syndrome type 2B. Also called: AUTOIMMUNE LYMPHOPROLIFERATIVE SYNDROME, TYPE IIB. Identifiers: Orphanet 275517, MedGen C1846545, MONDO:0011804, OMIM 607271.
Inborn genetic diseases. Identifiers: MedGen C0950123, MeSH D030342.

Allele frequency attached by ClinVar (database versions not stated): gnomAD 0.00003; TOPMed 0.00005; gnomAD exomes 0.00006; ESP Exome Variant Server 0.00008; ExAC 0.00010.
gnomAD v4.1: 88 of 1,613,534 alleles (0.0055%); highest among the groups gnomAD compares: Non-Finnish European, 0.0071%; no homozygotes.

Submissions (4):

Ambry Genetics
Classification: Uncertain significance for Inborn genetic diseases. Last evaluated: 2025-08-11. Review status: criteria provided, single submitter. Criteria: Ambry Variant Classification Scheme 2023. Collection method: clinical testing. Allele origin: germline.

Mayo Clinic Laboratories, Mayo Clinic
Classification: Uncertain significance. Last evaluated: 2025-02-09. Review status: criteria provided, single submitter. Criteria: ACMG Guidelines, 2015. Collection method: clinical testing. Allele origin: germline. Observed: 1 variant allele.

Labcorp Genetics (formerly Invitae), Labcorp
Classification: Uncertain significance for Autoimmune lymphoproliferative syndrome type 2B. Last evaluated: 2025-01-22. Review status: criteria provided, single submitter. Criteria: Invitae Variant Classification Sherloc (09022015). Collection method: clinical testing. Allele origin: germline.
Comment: This sequence change replaces arginine, which is basic and polar, with glycine, which is neutral and non-polar, at codon 88 of the CASP8 protein (p.Arg88Gly). This variant is present in population databases (rs374010917, gnomAD 0.01%). This variant has not been reported in the literature in individuals affected with CASP8-related conditions. ClinVar contains an entry for this variant (Variation ID: 2060334). An algorithm developed to predict the effect of missense changes on protein structure and function (PolyPhen-2) suggests that this variant¬†is likely to be tolerated. In summary, the available evidence is currently insufficient to determine the role of this variant in disease. Therefore, it has been classified as a Variant of Uncertain Significance.

Blueprint Genetics
Classification: Uncertain significance. Last evaluated: 2022-06-09. Review status: criteria provided, single submitter. Criteria: ACMG Guidelines, 2015. Collection method: clinical testing. Allele origin: germline.

NM_001372051.1(CASP8):c.262A>G (p.Arg88Gly)

Gene: CASP8 (caspase 8; plus strand). Cytogenetic location: 2q33.1.
Variant type: single nucleotide variant.
Coding change: c.262A>G on transcript NM_001372051.1 (MANE Select); coding-DNA position 262, A replaced by G.
Protein change: p.Arg88Gly; replaces arginine 88 with glycine.
Molecular consequence: missense variant. On other transcripts: 5 prime UTR variant (9), non-coding transcript variant (22), intron variant (3).
Genome position (GRCh38, 1-based): chr2:201,266,748, A>G. VCF-style: chr2-201266748-A-G. GRCh37 (hg19) VCF-style: chr2-202131471-A-G.
Other names: p.Arg88Gly; c.262A>G, p.Arg88Gly (NM_001080124.2, NM_001228.5, NM_001400645.1 and 21 more transcripts); c.439A>G, p.Arg147Gly (NM_001080125.2, NM_001400642.1, NM_001400665.1); c.-271A>G (NM_001400671.1, NM_001400673.1, NM_001400676.1 and 4 more transcripts); c.-452A>G (NM_001400674.1); c.-350A>G (NM_001400680.1); c.-4-4768A>G (NM_001400669.1); c.-227-4768A>G (NM_001400672.1, NM_001400675.1); short protein forms R88G, R147G.
Identifiers: ClinVar variation 2060334 (VCV002060334.6), dbSNP rs374010917, ClinGen allele CA2053470.
Genomic context (GRCh38, chr2:201,266,748, plus strand): 5'-CGAATTAATAGACTGGATTTGCTGATTACCTACCTAAACACTAGAAAGGAGGAGATGGAA[A>G]GGGAACTTCAGACACCAGGCAGGGCTCAAATTTCTGCCTACAGGTGGGTGGAAACTCCCA-3'
Protein context (NP_001358980.1, residues 78-98): YLNTRKEEME[Arg88Gly]ELQTPGRAQI